The following is an entry in ClinVar:

ClinVar aggregate classification (germline): Uncertain significance (1 of 4 stars; one submission).

Conditions:
Hereditary cancer-predisposing syndrome. Also called: Neoplastic Syndromes, Hereditary; Hereditary Cancer Syndrome; Tumor predisposition; Hereditary neoplastic syndrome. Identifiers: Orphanet 140162, MedGen C0027672, MeSH D009386, MONDO:0015356.

Submission:

Ambry Genetics
Classification: Uncertain significance for Hereditary cancer-predisposing syndrome. Last evaluated: 2025-02-05. Review status: criteria provided, single submitter. Criteria: Ambry Variant Classification Scheme 2023. Collection method: clinical testing. Allele origin: germline.
Comment: The p.L1150V variant (also known as c.3448C>G), located in coding exon 22 of the RAD50 gene, results from a C to G substitution at nucleotide position 3448. The leucine at codon 1150 is replaced by valine, an amino acid with highly similar properties. This amino acid position is conserved. In addition, this alteration is predicted to be deleterious by in silico analysis. Based on the available evidence, the clinical significance of this variant remains unclear.

NM_005732.4(RAD50):c.3448C>G (p.Leu1150Val)

Genes: RAD50 (RAD50 double strand break repair protein; plus strand), TH2-LCR (Th2 cytokine locus control region; plus strand), TH2LCRR (T helper type 2 locus control region associated RNA; minus strand). Cytogenetic location: 5q31.1.
Variant type: single nucleotide variant.
Coding change: c.3448C>G on transcript NM_005732.4 (MANE Select); coding-DNA position 3448, C replaced by G.
Protein change: p.Leu1150Val; replaces leucine 1150 with valine.
Molecular consequence: missense variant.
Genome position (GRCh38, 1-based): chr5:132,637,173, C>G. VCF-style: chr5-132637173-C-G. GRCh37 (hg19) VCF-style: chr5-131972865-C-G.
Other names: short protein forms L1150V.
Identifiers: ClinVar variation 3786309 (VCV003786309.1).